The following is an entry in ClinVar:

ClinVar aggregate classification (germline): Benign/Likely benign. Review status: criteria provided, multiple submitters, no conflicts (2 of 4 stars). 4 submissions from 4 submitters: Benign (1); Likely benign (3). Last evaluated 2025-11-28.

Allele frequency attached by ClinVar (database versions not stated): TOPMed 0.00010.
gnomAD v4.1: 130 of 1,608,784 alleles (0.0081%); highest among the groups gnomAD compares: Admixed American, 0.13%; 1 homozygote.

Submissions (4):

Labcorp Genetics (formerly Invitae), Labcorp
Classification: Likely benign. Last evaluated: 2025-11-28. Review status: criteria provided, single submitter. Criteria: Invitae Variant Classification Sherloc (09022015). Collection method: clinical testing. Allele origin: germline.

Athena Diagnostics
Classification: Benign. Last evaluated: 2024-10-01. Review status: criteria provided, single submitter. Criteria: Athena Diagnostics Criteria. Collection method: clinical testing. Allele origin: unknown.

Blueprint Genetics
Classification: Likely benign. Last evaluated: 2024-09-09. Review status: criteria provided, single submitter. Criteria: ACMG Guidelines, 2015. Collection method: clinical testing. Allele origin: germline.

CeGaT Center for Human Genetics Tuebingen
Classification: Likely benign. Last evaluated: 2024-08-01. Review status: criteria provided, single submitter. Criteria: CeGaT Center For Human Genetics Tuebingen Variant Classification Criteria Version 2. Collection method: clinical testing. Allele origin: germline. Affected: yes. Observed: 1 variant allele.
Comment: NOTCH3: BP4, BP7, BS1

Literature cited by the submitters: PubMed 36703207 (cited by Athena Diagnostics).

NM_000435.3(NOTCH3):c.4899G>A (p.Pro1633=)

Gene: NOTCH3 (notch receptor 3; minus strand). Cytogenetic location: 19p13.12.
Variant type: single nucleotide variant.
Coding change: c.4899G>A on transcript NM_000435.3 (MANE Select); coding-DNA position 4899, G replaced by A.
Protein change: p.Pro1633=; no amino-acid change (proline 1633 retained).
Molecular consequence: synonymous variant.
Genome position (GRCh38, 1-based): chr19:15,170,546, C>T on the plus strand (G>A on the coding strand, the complement: NOTCH3 is on the minus strand). VCF-style: chr19-15170546-C-T. GRCh37 (hg19) VCF-style: chr19-15281357-C-T.
Identifiers: ClinVar variation 702601 (VCV000702601.25), dbSNP rs200797732, ClinGen allele CA9262783.